The following is an entry in ClinVar:

NM_014915.3(ANKRD26):c.3388G>C (p.Glu1130Gln)

Gene: ANKRD26 (ankyrin repeat domain containing 26; minus strand). Cytogenetic location: 10p12.1.
Variant type: single nucleotide variant.
Coding change: c.3388G>C on transcript NM_014915.3 (MANE Select); coding-DNA position 3388, G replaced by C.
Protein change: p.Glu1130Gln; replaces glutamic acid 1130 with glutamine.
Molecular consequence: missense variant.
Genome position (GRCh38, 1-based): chr10:27,035,062, C>G on the plus strand (G>C on the coding strand, the complement: ANKRD26 is on the minus strand). VCF-style: chr10-27035062-C-G. GRCh37 (hg19) VCF-style: chr10-27323991-C-G.
Other names: c.3385G>C, p.Glu1129Gln (NM_001256053.2); short protein forms E1129Q, E1130Q.
Identifiers: ClinVar variation 4103122 (VCV004103122.1).

ClinVar aggregate classification (germline): Uncertain significance (1 of 4 stars; one submission).

Conditions:
Inborn genetic diseases. Identifiers: MedGen C0950123, MeSH D030342.

Submission:

Ambry Genetics
Classification: Uncertain significance for Inborn genetic diseases. Last evaluated: 2025-06-28. Review status: criteria provided, single submitter. Criteria: Ambry Variant Classification Scheme 2023. Collection method: clinical testing. Allele origin: germline.
Comment: The p.E1130Q variant (also known as c.3388G>C), located in coding exon 24 of the ANKRD26 gene, results from a G to C substitution at nucleotide position 3388. The glutamic acid at codon 1130 is replaced by glutamine, an amino acid with highly similar properties. This amino acid position is conserved. In addition, this alteration is predicted to be tolerated by in silico analysis. Based on the available evidence, the clinical significance of this variant remains unclear.